The following is an entry in ClinVar:

NM_001244008.2(KIF1A):c.1217C>A (p.Ala406Asp)

Gene: KIF1A (kinesin family member 1A; minus strand). Cytogenetic location: 2q37.3.
Variant type: single nucleotide variant.
Coding change: c.1217C>A on transcript NM_001244008.2 (MANE Select); coding-DNA position 1217, C replaced by A.
Protein change: p.Ala406Asp; replaces alanine 406 with aspartic acid.
Molecular consequence: missense variant.
Genome position (GRCh38, 1-based): chr2:240,771,095, G>T on the plus strand (C>A on the coding strand, the complement: KIF1A is on the minus strand). VCF-style: chr2-240771095-G-T. GRCh37 (hg19) VCF-style: chr2-241710512-G-T.
Other names: c.1217C>A, p.Ala406Asp (NM_001320705.2, NM_001330289.2, NM_001379638.1); c.1292C>A, p.Ala431Asp (NM_001330290.2, NM_001379631.1, NM_001379634.1 and 2 more transcripts); c.1190C>A, p.Ala397Asp (NM_001379632.1, NM_001379633.1, NM_001379636.1 and 10 more transcripts); c.1265C>A, p.Ala422Asp (NM_001379637.1, NM_001379648.1); short protein forms A397D, A406D, A422D, A431D.
Identifiers: ClinVar variation 3761963 (VCV003761963.4).

ClinVar aggregate classification (germline): Conflicting classifications of pathogenicity. Review status: criteria provided, conflicting classifications (1 of 4 stars). 3 submissions from 3 submitters: Likely pathogenic (1); Uncertain significance (2). Last evaluated 2025-03-19.

Conditions:
Hereditary spastic paraplegia 30. Identifiers: Orphanet 101010, MedGen C5235139, MONDO:0012476.
Intellectual disability, autosomal dominant 9 (NESCAVS). Also called: KIF1A-Related Neurodevelopmental Disorder; NESCAV SYNDROME. Identifiers: Orphanet 662367, MedGen C5393830, MONDO:0013656, OMIM 614255.
Neuropathy, hereditary sensory, type 2C. Also called: KIF1A-Related HSAN2 (HSAN2C); Hereditary sensory and autonomic neuropathy type IIC. Identifiers: Orphanet 970, MedGen C3280168, MONDO:0013634, OMIM 614213.
Neuropathy, hereditary sensory and autonomic, type 2A (HSAN2A). Also called: HSAN IIA; WNK1-Related HSAN2 (HSAN2A); ACROOSTEOLYSIS, GIACCAI TYPE; ACROOSTEOLYSIS, NEUROGENIC; MORVAN DISEASE; NEUROPATHY, CONGENITAL SENSORY. Identifiers: Orphanet 970, MedGen C2752089, MONDO:0024309, OMIM 201300.

gnomAD v4.1: 5 of 1,613,538 alleles (0.00031%); highest among the groups gnomAD compares: East Asian, 0.011%; no homozygotes.

Submissions (3):

Labcorp Genetics (formerly Invitae), Labcorp
Classification: Uncertain significance for Hereditary spastic paraplegia 30; Neuropathy, hereditary sensory, type 2C; Intellectual disability, autosomal dominant 9. Last evaluated: 2025-03-19. Review status: criteria provided, single submitter. Criteria: Invitae Variant Classification Sherloc (09022015). Collection method: clinical testing. Allele origin: germline.
Comment: This sequence change replaces alanine, which is neutral and non-polar, with aspartic acid, which is acidic and polar, at codon 397 of the KIF1A protein (p.Ala397Asp). This variant is present in population databases (rs762320905, gnomAD 0.01%). This missense change has been observed in individual(s) with epilepsy (PMID: 32174959). Invitae Evidence Modeling of protein sequence and biophysical properties (such as structural, functional, and spatial information, amino acid conservation, physicochemical variation, residue mobility, and thermodynamic stability) indicates that this missense variant is expected to disrupt KIF1A protein function with a positive predictive value of 95%. Experimental studies have shown that this missense change affects KIF1A function (PMID: 32174959). In summary, the available evidence is currently insufficient to determine the role of this variant in disease. Therefore, it has been classified as a Variant of Uncertain Significance.

Department of Neurology, Zibo Changguo Hospital
Classification: Likely pathogenic for Hereditary spastic paraplegia 30; Intellectual disability, autosomal dominant 9. Last evaluated: 2025-01-08. Review status: criteria provided, single submitter. Criteria: ACMG Guidelines, 2015. Collection method: clinical testing. Allele origin: paternal. Inheritance: Autosomal dominant inheritance. Affected: yes.
Comment: PS3, PM2_Supporting, PP1

Department of Pathology and Laboratory Medicine, Sinai Health System
Classification: Uncertain significance for Neuropathy, hereditary sensory and autonomic, type 2A; Spastic paraplegia 30A, autosomal dominant; Neuropathy, hereditary sensory, type 2C; Intellectual disability, autosomal dominant 9. Last evaluated: 2023-01-02. Review status: criteria provided, single submitter. Criteria: ACMG Guidelines, 2015. Collection method: research. Allele origin: germline.

Literature cited by the submitters: PubMed 32174959 (cited by Labcorp Genetics (formerly Invitae), Labcorp).